The following is an entry in ClinVar:

NM_000501.4(ELN):c.1864G>A (p.Gly622Arg)

Gene: ELN (elastin; plus strand). Cytogenetic location: 7q11.23.
Variant type: single nucleotide variant.
Coding change: c.1864G>A on transcript NM_000501.4 (MANE Select); coding-DNA position 1864, G replaced by A.
Protein change: p.Gly622Arg; replaces glycine 622 with arginine.
Molecular consequence: missense variant.
Genome position (GRCh38, 1-based): chr7:74,063,315, G>A. VCF-style: chr7-74063315-G-A. GRCh37 (hg19) VCF-style: chr7-73477645-G-A.
Other names: c.1777G>A, p.Gly593Arg (NM_001081752.3); c.1822G>A, p.Gly608Arg (NM_001081753.3); c.1879G>A, p.Gly627Arg (NM_001081754.3); c.1807G>A, p.Gly603Arg (NM_001081755.3); c.1864G>A, p.Gly622Arg (NM_001278912.2); c.1621G>A, p.Gly541Arg (NM_001278913.2); c.1792G>A, p.Gly598Arg (NM_001278914.2); c.1882G>A, p.Gly628Arg (NM_001278915.2); and 4 more; short protein forms G541R, G574R, G593R, G608R, G622R, G684R, G533R, G612R.
Identifiers: ClinVar variation 4702654 (VCV004702654.1).

ClinVar aggregate classification (germline): Uncertain significance (1 of 4 stars; one submission).

Conditions:
Supravalvar aortic stenosis (SVAS). Also called: Supravalvar aortic stenosis, Eisenberg type. Identifiers: Orphanet 3193, MedGen C0003499, MONDO:0008504, OMIM 185500, HP:0004381.

gnomAD v4.1: 39 of 1,550,628 alleles (0.0025%); highest among the groups gnomAD compares: Non-Finnish European, 0.0029%; no homozygotes.

Submission:

Labcorp Genetics (formerly Invitae), Labcorp
Classification: Uncertain significance for Supravalvar aortic stenosis. Last evaluated: 2025-08-08. Review status: criteria provided, single submitter. Criteria: Invitae Variant Classification Sherloc (09022015). Collection method: clinical testing. Allele origin: germline.
Comment: This sequence change replaces glycine, which is neutral and non-polar, with arginine, which is basic and polar, at codon 684 of the ELN protein (p.Gly684Arg). This variant is present in population databases (rs782018201, gnomAD 0.006%). This variant has not been reported in the literature in individuals affected with ELN-related conditions. Invitae Evidence Modeling of protein sequence and biophysical properties (such as structural, functional, and spatial information, amino acid conservation, physicochemical variation, residue mobility, and thermodynamic stability) indicates that this missense variant is not expected to disrupt ELN protein function with a negative predictive value of 80%. In summary, the available evidence is currently insufficient to determine the role of this variant in disease. Therefore, it has been classified as a Variant of Uncertain Significance.